The following is an entry in ClinVar:

NM_000051.4(ATM):c.7315G>A (p.Val2439Ile)

Genes: ATM (ATM serine/threonine kinase; plus strand), C11orf65 (chromosome 11 open reading frame 65; minus strand). Cytogenetic location: 11q22.3.
Variant type: single nucleotide variant.
Coding change: c.7315G>A on transcript NM_000051.4 (MANE Select); coding-DNA position 7315, G replaced by A.
Protein change: p.Val2439Ile; replaces valine 2439 with isoleucine.
Molecular consequence: missense variant. On other transcripts: intron variant (2).
Genome position (GRCh38, 1-based): chr11:108,330,221, G>A. VCF-style: chr11-108330221-G-A. GRCh37 (hg19) VCF-style: chr11-108200948-G-A.
Other names: c.7315G>A, p.Val2439Ile (NM_001351834.2); c.641-21150C>T (NM_001330368.2); c.*38+4999C>T (NM_001351110.2); short protein forms V2439I.
Identifiers: ClinVar variation 1758280 (VCV001758280.2), dbSNP rs1591159702, ClinGen allele CA382559872.

ClinVar aggregate classification (germline): Uncertain significance (1 of 4 stars; one submission).

Conditions:
Hereditary cancer-predisposing syndrome. Also called: Hereditary neoplastic syndrome; Neoplastic Syndromes, Hereditary; Tumor predisposition; Hereditary Cancer Syndrome. Identifiers: Orphanet 140162, MedGen C0027672, MeSH D009386, MONDO:0015356.

Submission:

Ambry Genetics
Classification: Uncertain significance for Hereditary cancer-predisposing syndrome. Last evaluated: 2022-04-13. Review status: criteria provided, single submitter. Criteria: Ambry Variant Classification Scheme 2023. Collection method: clinical testing. Allele origin: germline.
Comment: The p.V2439I variant (also known as c.7315G>A), located in coding exon 49 of the ATM gene, results from a G to A substitution at nucleotide position 7315. The valine at codon 2439 is replaced by isoleucine, an amino acid with highly similar properties. This amino acid position is not well conserved in available vertebrate species. In addition, this alteration is predicted to be tolerated by in silico analysis. Since supporting evidence is limited at this time, the clinical significance of this alteration remains unclear.